The following is an entry in ClinVar:

NM_001165963.4(SCN1A):c.1276T>C (p.Tyr426His)

Gene: SCN1A (sodium voltage-gated channel alpha subunit 1; minus strand). Cytogenetic location: 2q24.3.
Variant type: single nucleotide variant.
Coding change: c.1276T>C on transcript NM_001165963.4 (MANE Select); coding-DNA position 1276, T replaced by C.
Protein change: p.Tyr426His; replaces tyrosine 426 with histidine.
Molecular consequence: missense variant. On other transcripts: 5 prime UTR variant (1), non-coding transcript variant (1).
Genome position (GRCh38, 1-based): chr2:166,046,871, A>G on the plus strand (T>C on the coding strand, the complement: SCN1A is on the minus strand). VCF-style: chr2-166046871-A-G. GRCh37 (hg19) VCF-style: chr2-166903381-A-G.
Other names: c.1276T>C, p.Tyr426His (NM_001165964.3, NM_001202435.3, NM_001353948.2 and 10 more transcripts); c.-1150T>C (NM_001353961.2); short protein forms Y426H.
Identifiers: ClinVar variation 3634055 (VCV003634055.2).

ClinVar aggregate classification (germline): Pathogenic (1 of 4 stars; one submission).

Conditions:
Early-infantile DEE. Also called: Early infantile epileptic encephalopathy; Ohtahara syndrome; Early infantile epileptic encephalopathy with suppression bursts. Identifiers: Orphanet 1934, MedGen C0393706, MONDO:0800491.

Submission:

Labcorp Genetics (formerly Invitae), Labcorp
Classification: Pathogenic for Early-infantile DEE. Last evaluated: 2025-01-19. Review status: criteria provided, single submitter. Criteria: Invitae Variant Classification Sherloc (09022015). Collection method: clinical testing. Allele origin: germline.
Comment: This sequence change replaces tyrosine, which is neutral and polar, with histidine, which is basic and polar, at codon 426 of the SCN1A protein (p.Tyr426His). This variant is not present in population databases (gnomAD no frequency). This missense change has been observed in individual(s) with Dravet syndrome (PMID: 35087721). Invitae Evidence Modeling of protein sequence and biophysical properties (such as structural, functional, and spatial information, amino acid conservation, physicochemical variation, residue mobility, and thermodynamic stability) indicates that this missense variant is expected to disrupt SCN1A protein function with a positive predictive value of 95%. This variant disrupts the p.Tyr426 amino acid residue in SCN1A. Other variant(s) that disrupt this residue have been determined to be pathogenic (PMID: 18930999, 23195492, 30577886, 31864146). This suggests that this residue is clinically significant, and that variants that disrupt this residue are likely to be disease-causing. For these reasons, this variant has been classified as Pathogenic.

Literature cited by the submitters: PubMed 35087721; PubMed 18930999; PubMed 23195492; PubMed 30577886; PubMed 31864146.